The following is an entry in ClinVar:

NM_000038.6(APC):c.8338A>T (p.Arg2780Ter)

Gene: APC (APC regulator of Wnt signaling pathway; plus strand). Cytogenetic location: 5q22.2.
Variant type: single nucleotide variant.
Coding change: c.8338A>T on transcript NM_000038.6 (MANE Select); coding-DNA position 8338, A replaced by T.
Protein change: p.Arg2780Ter; replaces arginine 2780 with a stop codon.
Molecular consequence: nonsense.
Genome position (GRCh38, 1-based): chr5:112,843,932, A>T. VCF-style: chr5-112843932-A-T. GRCh37 (hg19) VCF-style: chr5-112179629-A-T.
Other names: c.8338A>T, p.Arg2780Ter (NM_001127510.3, NM_001354895.2, NM_001407450.1); c.8284A>T, p.Arg2762Ter (NM_001127511.3); c.8392A>T, p.Arg2798Ter (NM_001354896.2, NM_001407447.1, NM_001407448.1 and 1 more transcripts); c.8368A>T, p.Arg2790Ter (NM_001354897.2); c.8263A>T, p.Arg2755Ter (NM_001354898.2); c.8254A>T, p.Arg2752Ter (NM_001354899.2); c.8215A>T, p.Arg2739Ter (NM_001354900.2); c.8161A>T, p.Arg2721Ter (NM_001354901.2, NM_001407453.1); and 11 more; short protein forms R2689*, R2773*, R2396*, R2497*, R2651*, R2752*, R2755*, R2762*.
Identifiers: ClinVar variation 2021405 (VCV002021405.4), dbSNP rs2150003540, ClinGen allele CA16039422.

ClinVar aggregate classification (germline): Uncertain significance (1 of 4 stars; one submission).

Conditions:
Familial adenomatous polyposis 1 (FAP1). Also called: POLYPOSIS, ADENOMATOUS INTESTINAL; FAMILIAL ADENOMATOUS POLYPOSIS 1, ATTENUATED. Identifiers: MedGen C2713442, MONDO:0021056, OMIM 175100. Disease mechanism: loss of function.

Submission:

Labcorp Genetics (formerly Invitae), Labcorp
Classification: Uncertain significance for Familial adenomatous polyposis 1. Last evaluated: 2025-02-20. Review status: criteria provided, single submitter. Criteria: Invitae Variant Classification Sherloc (09022015). Collection method: clinical testing. Allele origin: germline.
Comment: This sequence change creates a premature translational stop signal (p.Arg2780*) in the APC gene. While this is not anticipated to result in nonsense mediated decay, it is expected to disrupt the last 64 amino acid(s) of the APC protein. This variant is not present in population databases (gnomAD no frequency). This premature translational stop signal has been observed in individual(s) with familial adenomatous polyposis (internal data). ClinVar contains an entry for this variant (Variation ID: 2021405). Experimental studies and prediction algorithms are not available or were not evaluated, and the functional significance of this variant is currently unknown. In summary, the available evidence is currently insufficient to determine the role of this variant in disease. Therefore, it has been classified as a Variant of Uncertain Significance.